The following is an entry in ClinVar:

ClinVar aggregate classification (germline): Pathogenic (1 of 4 stars; one submission).

Submission:

Labcorp Genetics (formerly Invitae), Labcorp
Classification: Pathogenic. Last evaluated: 2023-10-25. Review status: criteria provided, single submitter. Criteria: Invitae Variant Classification Sherloc (09022015). Collection method: clinical testing. Allele origin: germline.
Comment: This sequence change creates a premature translational stop signal (p.Ser322*) in the DNAJC21 gene. It is expected to result in an absent or disrupted protein product. Loss-of-function variants in DNAJC21 are known to be pathogenic (PMID: 27346687, 28062395). This variant is not present in population databases (gnomAD no frequency). This variant has not been reported in the literature in individuals affected with DNAJC21-related conditions. For these reasons, this variant has been classified as Pathogenic.

Literature cited by the submitters: PubMed 27346687; PubMed 28062395.

NM_001012339.3(DNAJC21):c.965C>A (p.Ser322Ter)

Gene: DNAJC21 (DnaJ heat shock protein family (Hsp40) member C21; plus strand). Cytogenetic location: 5p13.2.
Variant type: single nucleotide variant.
Coding change: c.965C>A on transcript NM_001012339.3 (MANE Select); coding-DNA position 965, C replaced by A.
Protein change: p.Ser322Ter; replaces serine 322 with a stop codon.
Molecular consequence: nonsense.
Genome position (GRCh38, 1-based): chr5:34,941,165, C>A. VCF-style: chr5-34941165-C-A. GRCh37 (hg19) VCF-style: chr5-34941270-C-A.
Other names: c.965C>A, p.Ser322Ter (NM_001348420.2, NM_194283.4); short protein forms S322*.
Identifiers: ClinVar variation 2769968 (VCV002769968.3), dbSNP rs1208669621, ClinGen allele CA359416822.
Genomic context (GRCh38, chr5:34,941,165, plus strand): 5'-GTGATGAGGCCGAGGACGCTGAGCTCTATGATGACCTTTACTGCCCAGCATGTGACAAAT[C>A]GTTCAAGACAGAAAAGGCGTAAGTTTATTAATTTAATTTAATTTAATTTTGAGACAGGGT-3'